The following is an entry in ClinVar:

NM_004260.4(RECQL4):c.373C>T (p.Arg125Cys)

Gene: RECQL4 (RecQ like helicase 4; minus strand). Cytogenetic location: 8q24.3.
Variant type: single nucleotide variant.
Coding change: c.373C>T on transcript NM_004260.4 (MANE Select); coding-DNA position 373, C replaced by T.
Protein change: p.Arg125Cys; replaces arginine 125 with cysteine.
Molecular consequence: missense variant.
Genome position (GRCh38, 1-based): chr8:144,516,746, G>A on the plus strand (C>T on the coding strand, the complement: RECQL4 is on the minus strand). VCF-style: chr8-144516746-G-A. GRCh37 (hg19) VCF-style: chr8-145742130-G-A.
Other names: short protein forms R125C.
Identifiers: ClinVar variation 936419 (VCV000936419.7), dbSNP rs762400332, ClinGen allele CA4949312.
Genomic context (GRCh38, chr8:144,516,746, plus strand): 5'-TACCTGGGGGCTTTGGGGTGGATGCCTTAGATGAGGCTCTTCCTAGAGGCCACGGTCTGC[G>A]GCCCAGGGCTGGTCCGGCCTGGGAGGGGAACAACAGAACAGCAGGAGGAACTCAGGCCCC-3'
Protein context (NP_004251.4, residues 115-135): GTLQAGPALG[Arg125Cys]RPWPLGRASS

ClinVar aggregate classification (germline): Uncertain significance. Review status: criteria provided, multiple submitters, no conflicts (2 of 4 stars). 2 submissions from 2 submitters: Uncertain significance (2). Last evaluated 2025-03-02.

Conditions:
Inborn genetic diseases. Identifiers: MedGen C0950123, MeSH D030342.
Baller-Gerold syndrome (BGS). Also called: CRANIOSYNOSTOSIS WITH RADIAL DEFECTS. Identifiers: Orphanet 1225, MedGen C0265308, MONDO:0009039, OMIM 218600.

Allele frequency attached by ClinVar (database versions not stated): ExAC 0.00001.

Submissions (2):

Ambry Genetics
Classification: Uncertain significance for Inborn genetic diseases. Last evaluated: 2025-03-02. Review status: criteria provided, single submitter. Criteria: Ambry Variant Classification Scheme 2023. Collection method: clinical testing. Allele origin: germline.
Comment: The p.R125C variant (also known as c.373C>T), located in coding exon 5 of the RECQL4 gene, results from a C to T substitution at nucleotide position 373. The arginine at codon 125 is replaced by cysteine, an amino acid with highly dissimilar properties. This amino acid position is conserved. In addition, this alteration is predicted to be tolerated by in silico analysis. Based on the available evidence, the clinical significance of this variant remains unclear.

Labcorp Genetics (formerly Invitae), Labcorp
Classification: Uncertain significance for Baller-Gerold syndrome. Last evaluated: 2022-10-16. Review status: criteria provided, single submitter. Criteria: Invitae Variant Classification Sherloc (09022015). Collection method: clinical testing. Allele origin: germline.
Comment: This variant has not been reported in the literature in individuals affected with RECQL4-related conditions. In summary, the available evidence is currently insufficient to determine the role of this variant in disease. Therefore, it has been classified as a Variant of Uncertain Significance. Advanced modeling of protein sequence and biophysical properties (such as structural, functional, and spatial information, amino acid conservation, physicochemical variation, residue mobility, and thermodynamic stability) performed at Invitae indicates that this missense variant is not expected to disrupt RECQL4 protein function. ClinVar contains an entry for this variant (Variation ID: 936419). This variant is present in population databases (rs762400332, gnomAD 0.001%). This sequence change replaces arginine, which is basic and polar, with cysteine, which is neutral and slightly polar, at codon 125 of the RECQL4 protein (p.Arg125Cys).